The following is an entry in ClinVar:

NM_001006658.3(CR2):c.2337C>G (p.His779Gln)

Gene: CR2 (complement C3d receptor 2; plus strand). Cytogenetic location: 1q32.2.
Variant type: single nucleotide variant.
Coding change: c.2337C>G on transcript NM_001006658.3 (MANE Select); coding-DNA position 2337, C replaced by G.
Protein change: p.His779Gln; replaces histidine 779 with glutamine.
Molecular consequence: missense variant.
Genome position (GRCh38, 1-based): chr1:207,474,837, C>G. VCF-style: chr1-207474837-C-G. GRCh37 (hg19) VCF-style: chr1-207648182-C-G.
Other names: c.2160C>G, p.His720Gln (NM_001877.5); short protein forms H720Q, H779Q.
Identifiers: ClinVar variation 1350586 (VCV001350586.8), dbSNP rs552678028, ClinGen allele CA344537478.

ClinVar aggregate classification (germline): Uncertain significance (1 of 4 stars; one submission).

Conditions:
Immunodeficiency, common variable, 7. Identifiers: Orphanet 1572, Orphanet 696894, MedGen C3542922, MONDO:0013862, OMIM 614699.

Submission:

Labcorp Genetics (formerly Invitae), Labcorp
Classification: Uncertain significance for Immunodeficiency, common variable, 7. Last evaluated: 2021-05-09. Review status: criteria provided, single submitter. Criteria: Invitae Variant Classification Sherloc (09022015). Collection method: clinical testing. Allele origin: germline.
Comment: This variant has not been reported in the literature in individuals with CR2-related conditions. In summary, the available evidence is currently insufficient to determine the role of this variant in disease. Therefore, it has been classified as a Variant of Uncertain Significance. Algorithms developed to predict the effect of sequence changes on RNA splicing suggest that this variant may create or strengthen a splice site, but this prediction has not been confirmed by published transcriptional studies. Algorithms developed to predict the effect of missense changes on protein structure and function output the following: SIFT: "Tolerated"; PolyPhen-2: "Benign"; Align-GVGD: "Class C0". The glutamine amino acid residue is found in multiple mammalian species, suggesting that this missense change does not adversely affect protein function. These predictions have not been confirmed by published functional studies and their clinical significance is uncertain. This variant is not present in population databases (ExAC no frequency). This sequence change replaces histidine with glutamine at codon 779 of the CR2 protein (p.His779Gln). The histidine residue is weakly conserved and there is a small physicochemical difference between histidine and glutamine.